The following is an entry in ClinVar:

ClinVar aggregate classification (germline): Pathogenic (1 of 4 stars; one submission).

Submission:

Labcorp Genetics (formerly Invitae), Labcorp
Classification: Pathogenic. Last evaluated: 2023-05-19. Review status: criteria provided, single submitter. Criteria: Invitae Variant Classification Sherloc (09022015). Collection method: clinical testing. Allele origin: germline.
Comment: For these reasons, this variant has been classified as Pathogenic. This variant has not been reported in the literature in individuals affected with GPR179-related conditions. This variant is not present in population databases (gnomAD no frequency). This sequence change creates a premature translational stop signal (p.Ser94Lysfs*27) in the GPR179 gene. It is expected to result in an absent or disrupted protein product. Loss-of-function variants in GPR179 are known to be pathogenic (PMID: 22325361, 22325362).

Literature cited by the submitters: PubMed 22325361; PubMed 22325362.

NM_001004334.4(GPR179):c.280dup (p.Ser94fs)

Gene: GPR179 (G protein-coupled receptor 179; minus strand). Cytogenetic location: 17q12.
Variant type: Duplication.
Coding change: c.280dup on transcript NM_001004334.4 (MANE Select); coding-DNA position 280, one base duplicated (A; older notation c.280dupA).
Protein change: p.Ser94fs; shifts the reading frame from serine 94.
Molecular consequence: frameshift variant.
Genome position (GRCh38, 1-based): chr17:38,343,510, T duplicated on the plus strand (A on the coding strand, the reverse complement: GPR179 is on the minus strand); the first of 2 consecutive T bases (chr17:38,343,510-38,343,511); duplicating either gives the same sequence. VCF-style (leftmost placement, unchanged base first): chr17-38343509-C-CT. GRCh37 (hg19) VCF-style: chr17-36499392-C-CT.
Other names: short protein forms S94fs.
Identifiers: ClinVar variation 2865751 (VCV002865751.3), dbSNP rs2512176243, ClinGen allele CA2739267522.